The following is an entry in ClinVar:

ClinVar aggregate classification (germline): Uncertain significance. Review status: criteria provided, multiple submitters, no conflicts (2 of 4 stars). 3 submissions from 3 submitters: Uncertain significance (2). 1 of the submissions does not count toward it. Last evaluated 2026-09-23.

Conditions:
Familial thoracic aortic aneurysm and aortic dissection (TAAD). Also called: Thoracic aortic aneurysms and dissections. Identifiers: Orphanet 91387, MedGen C4707243, MONDO:0019625.
Marfan syndrome (MFS). Also called: FBN1-Related Marfan Syndrome; Marfan syndrome type 1; Marfan syndrome, classic; Marfan's syndrome; MARFAN SYNDROME, TYPE I. Identifiers: Orphanet 284963, Orphanet 558, MedGen C0024796, MONDO:0007947, OMIM 154700.

Allele frequency attached by ClinVar (database versions not stated): gnomAD exomes below 0.00001; TOPMed below 0.00001.
gnomAD v4.1: 2 of 1,614,160 alleles (0.00012%); highest among the groups gnomAD compares: Non-Finnish European, 0.00017%; no homozygotes.

Submissions (3):

GeneDx
Classification: Uncertain significance. Last evaluated: 2026-09-23. Review status: criteria provided, single submitter. Criteria: GeneDx Variant Classification Process June 2021. Collection method: clinical testing. Allele origin: germline.
Comment: Not observed at significant frequency in large population cohorts (gnomAD); In silico analysis supports that this missense variant has a deleterious effect on protein structure/function; Does not affect a cysteine residue within a calcium-binding EGF-like domain of the FBN1 gene; cysteine substitutions in the calcium-binding EGF-like domains represent the majority of pathogenic missense changes associated with FBN1-related disorders (PMID: 12938084); This variant is associated with the following publications: (PMID: 27535533, 12938084, 29907982)

CHEO Genetics Diagnostic Laboratory, Children's Hospital of Eastern Ontario
Classification: Uncertain significance for Familial thoracic aortic aneurysm and aortic dissection. Last evaluated: 2023-06-02. Review status: criteria provided, single submitter. Criteria: ACMG Guidelines, 2015. Collection method: clinical testing. Allele origin: germline.

Center for Medical Genetics Ghent, University of Ghent
Classification: Uncertain significance for Marfan syndrome. Last evaluated: 2017-11-07. Review status: no assertion criteria provided. Collection method: clinical testing. Allele origin: germline. Affected: yes. Not counted in ClinVar's aggregate classification.

NM_000138.5(FBN1):c.8188C>T (p.Arg2730Trp)

Gene: FBN1 (fibrillin 1; minus strand). Cytogenetic location: 15q21.1.
Variant type: single nucleotide variant.
Coding change: c.8188C>T on transcript NM_000138.5 (MANE Select); coding-DNA position 8188, C replaced by T.
Protein change: p.Arg2730Trp; replaces arginine 2730 with tryptophan.
Molecular consequence: missense variant.
Genome position (GRCh38, 1-based): chr15:48,412,607, G>A on the plus strand (C>T on the coding strand, the complement: FBN1 is on the minus strand). VCF-style: chr15-48412607-G-A. GRCh37 (hg19) VCF-style: chr15-48704804-G-A.
Other names: short protein forms R2730W.
Identifiers: ClinVar variation 549457 (VCV000549457.5), dbSNP rs1371152380, ClinGen allele CA392320818.